The following is an entry in ClinVar:

NM_033380.3(COL4A5):c.2173G>T (p.Gly725Ter)

Gene: COL4A5 (collagen type IV alpha 5 chain; plus strand). Cytogenetic location: Xq22.3.
Variant type: single nucleotide variant.
Coding change: c.2173G>T on transcript NM_033380.3 (MANE Select); coding-DNA position 2173, G replaced by T.
Protein change: p.Gly725Ter; replaces glycine 725 with a stop codon.
Molecular consequence: nonsense.
Genome position (GRCh38, 1-based): chrX:108,602,990, G>T. VCF-style: chrX-108602990-G-T. GRCh37 (hg19) VCF-style: chrX-107846220-G-T.
Other names: c.2173G>T, p.Gly725Ter (NM_000495.5); short protein forms G725*.
Identifiers: ClinVar variation 3255208 (VCV003255208.2), dbSNP rs2524332908.

ClinVar aggregate classification (germline): Pathogenic (1 of 4 stars; one submission).

Conditions:
X-linked Alport syndrome (ATS1). Also called: COL4A5-Related Nephropathy; NEPHROPATHY AND DEAFNESS, X-LINKED. Identifiers: Orphanet 63, Orphanet 88917, MedGen C4746986, MONDO:0010520, OMIM 301050.

Submission:

Victorian Clinical Genetics Services, Murdoch Childrens Research Institute
Classification: Pathogenic for X-linked Alport syndrome. Last evaluated: 2024-10-08. Review status: criteria provided, single submitter. Criteria: ACMG Guidelines, 2015. Collection method: clinical testing. Allele origin: germline. Inheritance: X-linked dominant inheritance. Affected: yes.
Comment: Based on the classification scheme VCGS_Germline_v1.3.4, this variant is classified as Pathogenic. Following criteria are met: 0103 - Dominant negative and loss of function are known mechanisms of disease in this gene and are associated with X-linked Alport syndrome 1 (MIM#301050). Dominant negative is caused mostly by glycine substitutions that affect the conformation of the protein, and loss of function can be caused by either protein truncating or missense variants (PMID: 24046192, 12028435). (I) 0110 - This gene is associated with X-linked dominant disease. Males are typically more severely affected than females (PMID: 19965530). (I) 0115 - Variants in this gene are known to have variable expressivity. There is intrafamilial variability among affected carrier females, possibly due to variable X-inactivation (PMID: 14514738). (I) 0201 - Variant is predicted to cause nonsense-mediated decay (NMD) and loss of protein (premature termination codon is located at least 54 nucleotides upstream of the final exon-exon junction). (SP) 0251 - This variant is heterozygous. (I) 0301 - Variant is absent from gnomAD (both v2 and v3). (SP) 0701 - Other NMD predicted variants comparable to the one identified in this case have very strong previous evidence for pathogenicity (DECIPHER). (SP) 0807 - This variant has no previous evidence of pathogenicity. (I) 0905 - No published segregation evidence has been identified for this variant. (I) 1007 - No published functional evidence has been identified for this variant. (SP) Legend: (SP) - Supporting pathogenic, (I) - Information, (SB) - Supporting benign

Literature cited by the submitters: PubMed 12028435; PubMed 14514738; PubMed 19965530; PubMed 24046192.